The following is an entry in ClinVar:

NM_001283009.2(RTEL1):c.2909A>T (p.Gln970Leu)

Genes: RTEL1 (regulator of telomere elongation helicase 1; plus strand), RTEL1-TNFRSF6B (RTEL1-TNFRSF6B readthrough (NMD candidate); plus strand). Cytogenetic location: 20q13.33.
Variant type: single nucleotide variant.
Coding change: c.2909A>T on transcript NM_001283009.2 (MANE Select); coding-DNA position 2909, A replaced by T.
Protein change: p.Gln970Leu; replaces glutamine 970 with leucine.
Molecular consequence: missense variant. On other transcripts: non-coding transcript variant (1).
Genome position (GRCh38, 1-based): chr20:63,693,200, A>T. VCF-style: chr20-63693200-A-T. GRCh37 (hg19) VCF-style: chr20-62324553-A-T.
Other names: c.2240A>T, p.Gln747Leu (NM_001283010.1); c.2909A>T, p.Gln970Leu (NM_016434.4); c.2981A>T, p.Gln994Leu (NM_032957.5); short protein forms Q994L, Q970L, Q747L.
Identifiers: ClinVar variation 1364259 (VCV001364259.6), dbSNP rs2090804992, ClinGen allele CA409683293.

ClinVar aggregate classification (germline): Uncertain significance (1 of 4 stars; one submission).

Conditions:
Pulmonary fibrosis and/or bone marrow failure, Telomere-related, 3. Also called: PULMONARY FIBROSIS AND/OR BONE MARROW FAILURE SYNDROME, TELOMERE-RELATED, 3. Identifiers: Orphanet 2032, MedGen C4225346, MONDO:0014613, OMIM 616373.
Dyskeratosis congenita, autosomal recessive 5 (DKCB5). Identifiers: MedGen C3554656, MONDO:0014076, OMIM 615190.

Submission:

Labcorp Genetics (formerly Invitae), Labcorp
Classification: Uncertain significance for Dyskeratosis congenita, autosomal recessive 5; Pulmonary fibrosis and/or bone marrow failure, Telomere-related, 3. Last evaluated: 2023-12-11. Review status: criteria provided, single submitter. Criteria: Invitae Variant Classification Sherloc (09022015). Collection method: clinical testing. Allele origin: germline.
Comment: This sequence change replaces glutamine, which is neutral and polar, with leucine, which is neutral and non-polar, at codon 970 of the RTEL1 protein (p.Gln970Leu). This variant is not present in population databases (gnomAD no frequency). This variant has not been reported in the literature in individuals affected with RTEL1-related conditions. ClinVar contains an entry for this variant (Variation ID: 1364259). An algorithm developed to predict the effect of missense changes on protein structure and function (PolyPhen-2) suggests that this variant is likely to be disruptive. In summary, the available evidence is currently insufficient to determine the role of this variant in disease. Therefore, it has been classified as a Variant of Uncertain Significance.